The following is an entry in ClinVar:

ClinVar aggregate classification (germline): Uncertain significance (1 of 4 stars; one submission).

Conditions:
Atypical hemolytic-uremic syndrome. Identifiers: Orphanet 2134, MedGen C2931788, MONDO:0016244.

Submission:

Genomenon, Inc
Classification: Uncertain significance for Atypical hemolytic-uremic syndrome. Last evaluated: 2025-10-02. Review status: criteria provided, single submitter. Criteria: Genomenon Sequence Variant Interpretation Standards - Updated. Collection method: curation. Allele origin: germline. Affected: yes.
Comment: CFH p.Cys630Trp (c.1890T>G) is a missense variant that changes the amino acid at residue 630 from Cysteine to Tryptophan. This variant has been observed in at least one proband affected with atypical hemolytic-uremic syndrome (PMID:12960213). It is absent or not present at a significant frequency in gnomAD. In silico models agree that this variant is possibly or probably damaging. In conclusion, we classify CFH p.Cys630Trp (c.1890T>G) as a variant of uncertain significance.

Literature cited by the submitters: PubMed 12960213.

NM_000186.4(CFH):c.1890T>G (p.Cys630Trp)

Gene: CFH (complement factor H; plus strand). Cytogenetic location: 1q31.3.
Variant type: single nucleotide variant.
Coding change: c.1890T>G on transcript NM_000186.4 (MANE Select); coding-DNA position 1890, T replaced by G.
Protein change: p.Cys630Trp; replaces cysteine 630 with tryptophan.
Molecular consequence: missense variant.
Genome position (GRCh38, 1-based): chr1:196,726,486, T>G. VCF-style: chr1-196726486-T-G. GRCh37 (hg19) VCF-style: chr1-196695616-T-G.
Other names: short protein forms C630W.
Identifiers: ClinVar variation 4291434 (VCV004291434.1).